The following is an entry in ClinVar:

NM_004560.4(ROR2):c.2058C>A (p.Phe686Leu)

Gene: ROR2 (receptor tyrosine kinase like orphan receptor 2; minus strand). Cytogenetic location: 9q22.31.
Variant type: single nucleotide variant.
Coding change: c.2058C>A on transcript NM_004560.4 (MANE Select); coding-DNA position 2058, C replaced by A.
Protein change: p.Phe686Leu; replaces phenylalanine 686 with leucine.
Molecular consequence: missense variant.
Genome position (GRCh38, 1-based): chr9:91,724,436, G>T on the plus strand (C>A on the coding strand, the complement: ROR2 is on the minus strand). VCF-style: chr9-91724436-G-T. GRCh37 (hg19) VCF-style: chr9-94486718-G-T.
Other names: short protein forms F686L.
Identifiers: ClinVar variation 2210810 (VCV002210810.4), dbSNP rs191107364, ClinGen allele CA5120501.

ClinVar aggregate classification (germline): Uncertain significance. Review status: criteria provided, multiple submitters, no conflicts (2 of 4 stars). 2 submissions from 2 submitters: Uncertain significance (2). Last evaluated 2025-02-15.

Conditions:
Inborn genetic diseases. Identifiers: MedGen C0950123, MeSH D030342.

Allele frequency attached by ClinVar (database versions not stated): 1000 Genomes Project 30x 0.00016.
gnomAD v4.1: 11 of 1,614,216 alleles (0.00068%); highest among the groups gnomAD compares: Non-Finnish European, 0.00025%; no homozygotes.

Submissions (2):

Labcorp Genetics (formerly Invitae), Labcorp
Classification: Uncertain significance. Last evaluated: 2025-02-15. Review status: criteria provided, single submitter. Criteria: Invitae Variant Classification Sherloc (09022015). Collection method: clinical testing. Allele origin: germline.
Comment: This sequence change replaces phenylalanine, which is neutral and non-polar, with leucine, which is neutral and non-polar, at codon 686 of the ROR2 protein (p.Phe686Leu). This variant is present in population databases (rs191107364, gnomAD 0.009%). This variant has not been reported in the literature in individuals affected with ROR2-related conditions. ClinVar contains an entry for this variant (Variation ID: 2210810). Invitae Evidence Modeling of protein sequence and biophysical properties (such as structural, functional, and spatial information, amino acid conservation, physicochemical variation, residue mobility, and thermodynamic stability) indicates that this missense variant is expected to disrupt ROR2 protein function with a positive predictive value of 80%. In summary, the available evidence is currently insufficient to determine the role of this variant in disease. Therefore, it has been classified as a Variant of Uncertain Significance.

Ambry Genetics
Classification: Uncertain significance for Inborn genetic diseases. Last evaluated: 2022-02-28. Review status: criteria provided, single submitter. Criteria: Ambry Variant Classification Scheme 2023. Collection method: clinical testing. Allele origin: germline.